The following is an entry in ClinVar:

ClinVar aggregate classification (germline): Uncertain significance (1 of 4 stars; one submission).

Conditions:
Primary ciliary dyskinesia. Also called: Ciliary dyskinesia. Identifiers: Orphanet 244, MedGen C0008780, MONDO:0016575, HP:0012265.

Submission:

Labcorp Genetics (formerly Invitae), Labcorp
Classification: Uncertain significance for Primary ciliary dyskinesia. Last evaluated: 2025-07-02. Review status: criteria provided, single submitter. Criteria: Invitae Variant Classification Sherloc (09022015). Collection method: clinical testing. Allele origin: germline.
Comment: This sequence change replaces leucine, which is neutral and non-polar, with isoleucine, which is neutral and non-polar, at codon 715 of the DNAH11 protein (p.Leu715Ile). This variant is not present in population databases (gnomAD no frequency). This variant has not been reported in the literature in individuals affected with DNAH11-related conditions. Invitae Evidence Modeling of protein sequence and biophysical properties (such as structural, functional, and spatial information, amino acid conservation, physicochemical variation, residue mobility, and thermodynamic stability) indicates that this missense variant is not expected to disrupt DNAH11 protein function with a negative predictive value of 95%. Algorithms developed to predict the effect of sequence changes on RNA splicing suggest that this variant may disrupt the consensus splice site. In summary, the available evidence is currently insufficient to determine the role of this variant in disease. Therefore, it has been classified as a Variant of Uncertain Significance.

NM_001277115.2(DNAH11):c.2143C>A (p.Leu715Ile)

Gene: DNAH11 (dynein axonemal heavy chain 11; plus strand). Cytogenetic location: 7p15.3.
Variant type: single nucleotide variant.
Coding change: c.2143C>A on transcript NM_001277115.2 (MANE Select); coding-DNA position 2143, C replaced by A.
Protein change: p.Leu715Ile; replaces leucine 715 with isoleucine.
Molecular consequence: missense variant.
Genome position (GRCh38, 1-based): chr7:21,589,377, C>A. VCF-style: chr7-21589377-C-A. GRCh37 (hg19) VCF-style: chr7-21628995-C-A.
Other names: short protein forms L715I.
Identifiers: ClinVar variation 4772794 (VCV004772794.1).